The following is an entry in ClinVar:

ClinVar aggregate classification (germline): Conflicting classifications of pathogenicity. Review status: criteria provided, conflicting classifications (1 of 4 stars). 2 submissions from 2 submitters: Uncertain significance (1); Likely benign (1). Last evaluated 2022-08-12.

Conditions:
Inborn genetic diseases. Identifiers: MedGen C0950123, MeSH D030342.

Allele frequency attached by ClinVar (database versions not stated): ExAC 0.00003; gnomAD exomes 0.00003 and 0.00004; gnomAD 0.00004 and 0.00005; TOPMed 0.00005.
gnomAD v4.1: 51 of 1,612,782 alleles (0.0032%); highest among the groups gnomAD compares: Admixed American, 0.013%; no homozygotes.

Submissions (2):

Ambry Genetics
Classification: Likely benign for Inborn genetic diseases. Last evaluated: 2022-08-12. Review status: criteria provided, single submitter. Criteria: Ambry Variant Classification Scheme 2023. Collection method: clinical testing. Allele origin: germline.

New York Genome Center
Classification: Uncertain significance. Last evaluated: 2020-06-26. Review status: criteria provided, single submitter. Criteria: NYGC Assertion Criteria 2020. Collection method: clinical testing. Allele origin: inherited. Observed: 1 heterozygote. Study: CSER-NYCKidSeq.
Comment: The inherited heterozygous p.Arg473Gln missense variant in the HCN2 gene has not been reported in affected individuals in the literature. The variant has 0.00004884 allele frequency in the gnomAD(v3) database (7 out of 143314 heterozygous alleles, no homozygotes) indicating it is a rare allele in the general population. The variant affects an extremely conserved residue and is predicted deleterious by multiple in silico prediction tools. Based on the available evidence, the inherited heterozygous p.Arg473Gln missense variant identified in the HCN2 gene is assessed as a variant of uncertain significance.

NM_001194.4(HCN2):c.1418G>A (p.Arg473Gln)

Gene: HCN2 (hyperpolarization activated cyclic nucleotide gated potassium and sodium channel 2; plus strand). Cytogenetic location: 19p13.3.
Variant type: single nucleotide variant.
Coding change: c.1418G>A on transcript NM_001194.4 (MANE Select); coding-DNA position 1418, G replaced by A.
Protein change: p.Arg473Gln; replaces arginine 473 with glutamine.
Molecular consequence: missense variant.
Genome position (GRCh38, 1-based): chr19:608,163, G>A. VCF-style: chr19-608163-G-A. GRCh37 (hg19) VCF-style: chr19-608163-G-A.
Other names: c.1418G>A (NM_001194.3); short protein forms R473Q.
Identifiers: ClinVar variation 1184400 (VCV001184400.4), dbSNP rs750959680, ClinGen allele CA9018430.
Genomic context (GRCh38, chr19:608,163, plus strand): 5'-CCTGCTACGCCATGTTCATCGGCCACGCCACTGCCCTCATCCAGTCGCTGGACTCCTCGC[G>A]GCGCCAGTACCAGGAGAAGGTCTGAGGGAGGCGGGCCCCGGCCTGGGTTCTGATGGGGGA-3'
Protein context (NP_001185.3, residues 463-483): TALIQSLDSS[Arg473Gln]RQYQEKYKQV